The following is an entry in ClinVar:

ClinVar aggregate classification (germline): Benign/Likely benign. Review status: criteria provided, multiple submitters, no conflicts (2 of 4 stars). 2 submissions from 2 submitters: Benign (1); Likely benign (1). Last evaluated 2026-01-01.

Allele frequency attached by ClinVar (database versions not stated): gnomAD exomes 0.00001; ExAC 0.00002; TOPMed 0.00003; gnomAD 0.00007.
gnomAD v4.1: 19 of 1,613,824 alleles (0.0012%); highest among the groups gnomAD compares: Admixed American, 0.018%; no homozygotes.

Submissions (2):

CeGaT Center for Human Genetics Tuebingen
Classification: Likely benign. Last evaluated: 2026-01-01. Review status: criteria provided, single submitter. Criteria: CeGaT Center For Human Genetics Tuebingen Variant Classification Criteria Version 2. Collection method: clinical testing. Allele origin: germline. Affected: yes. Observed: 1 variant allele.
Comment: RERE: BP4, BP7

Labcorp Genetics (formerly Invitae), Labcorp
Classification: Benign. Last evaluated: 2022-07-06. Review status: criteria provided, single submitter. Criteria: Invitae Variant Classification Sherloc (09022015). Collection method: clinical testing. Allele origin: germline.

NM_001042681.2(RERE):c.1326C>T (p.Pro442=)

Gene: RERE (arginine-glutamic acid dipeptide repeats; minus strand). Cytogenetic location: 1p36.23.
Variant type: single nucleotide variant.
Coding change: c.1326C>T on transcript NM_001042681.2 (MANE Select); coding-DNA position 1326, C replaced by T.
Protein change: p.Pro442=; no amino-acid change (proline 442 retained).
Molecular consequence: synonymous variant. On other transcripts: 5 prime UTR variant (1).
Genome position (GRCh38, 1-based): chr1:8,365,933, G>A on the plus strand (C>T on the coding strand, the complement: RERE is on the minus strand). VCF-style: chr1-8365933-G-A. GRCh37 (hg19) VCF-style: chr1-8425993-G-A.
Other names: c.-337C>T (NM_001042682.2); c.1326C>T, p.Pro442= (NM_012102.4).
Identifiers: ClinVar variation 1932233 (VCV001932233.9), dbSNP rs760021275, ClinGen allele CA571745.